The following is an entry in ClinVar:

NM_014140.4(SMARCAL1):c.1468C>T (p.Arg490Cys)

Gene: SMARCAL1 (SNF2 related chromatin remodeling annealing helicase 1; plus strand). Cytogenetic location: 2q35.
Variant type: single nucleotide variant.
Coding change: c.1468C>T on transcript NM_014140.4 (MANE Select); coding-DNA position 1468, C replaced by T.
Protein change: p.Arg490Cys; replaces arginine 490 with cysteine.
Molecular consequence: missense variant.
Genome position (GRCh38, 1-based): chr2:216,432,851, C>T. VCF-style: chr2-216432851-C-T. GRCh37 (hg19) VCF-style: chr2-217297574-C-T.
Other names: c.1468C>T, p.Arg490Cys (NM_001127207.2); short protein forms R490C.
Identifiers: ClinVar variation 1054781 (VCV001054781.12), dbSNP rs371394232, ClinGen allele CA2097890.

ClinVar aggregate classification (germline): Uncertain significance. Review status: criteria provided, multiple submitters, no conflicts (2 of 4 stars). 4 submissions from 4 submitters: Uncertain significance (3). 1 of the submissions does not count toward it. Last evaluated 2024-10-24.

Conditions:
Schimke immuno-osseous dysplasia (SIOD). Also called: Schimke Immunoosseous Dysplasia. Identifiers: Orphanet 1830, MedGen C0877024, MONDO:0009458, OMIM 242900.

Allele frequency attached by ClinVar (database versions not stated): TOPMed 0.00003; ESP Exome Variant Server 0.00008; gnomAD exomes 0.00008 and 0.00016; ExAC 0.00010.
gnomAD v4.1: 221 of 1,614,100 alleles (0.014%); highest among the groups gnomAD compares: Non-Finnish European, 0.017%; no homozygotes.

Submissions (4):

Blueprint Genetics
Classification: Uncertain significance. Last evaluated: 2024-10-24. Review status: criteria provided, single submitter. Criteria: ACMG Guidelines, 2015. Collection method: clinical testing. Allele origin: germline.

Fulgent Genetics
Classification: Uncertain significance for Schimke immuno-osseous dysplasia. Last evaluated: 2024-01-15. Review status: criteria provided, single submitter. Criteria: ACMG Guidelines, 2015. Collection method: clinical testing. Allele origin: germline.

Labcorp Genetics (formerly Invitae), Labcorp
Classification: Uncertain significance for Schimke immuno-osseous dysplasia. Last evaluated: 2022-07-01. Review status: criteria provided, single submitter. Criteria: Invitae Variant Classification Sherloc (09022015). Collection method: clinical testing. Allele origin: germline.
Comment: This sequence change replaces arginine, which is basic and polar, with cysteine, which is neutral and slightly polar, at codon 490 of the SMARCAL1 protein (p.Arg490Cys). This variant is present in population databases (rs371394232, gnomAD 0.02%). This variant has not been reported in the literature in individuals affected with SMARCAL1-related conditions. ClinVar contains an entry for this variant (Variation ID: 1054781). Algorithms developed to predict the effect of missense changes on protein structure and function are either unavailable or do not agree on the potential impact of this missense change (SIFT: "Deleterious"; PolyPhen-2: "Probably Damaging"; Align-GVGD: "Class C0"). In summary, the available evidence is currently insufficient to determine the role of this variant in disease. Therefore, it has been classified as a Variant of Uncertain Significance.

Natera, Inc.
Classification: Uncertain significance for Schimke immuno-osseous dysplasia. Last evaluated: 2020-02-01. Review status: no assertion criteria provided. Collection method: clinical testing. Allele origin: germline. Not counted in ClinVar's aggregate classification.